The following is an entry in ClinVar:

ClinVar aggregate classification (germline): Uncertain significance (1 of 4 stars; one submission).

Conditions:
Cardiovascular phenotype. Identifiers: MedGen CN230736.

Submission:

Ambry Genetics
Classification: Uncertain significance for Cardiovascular phenotype. Last evaluated: 2025-12-26. Review status: criteria provided, single submitter. Criteria: Ambry Variant Classification Scheme 2023. Collection method: clinical testing. Allele origin: germline.
Comment: The p.T88A variant (also known as c.262A>G), located in coding exon 3 of the SPRED1 gene, results from an A to G substitution at nucleotide position 262. The threonine at codon 88 is replaced by alanine, an amino acid with similar properties. This amino acid position is conserved. In addition, the in silico prediction for this alteration is inconclusive. Based on the available evidence, the clinical significance of this variant remains unclear.

NM_152594.3(SPRED1):c.262A>G (p.Thr88Ala)

Gene: SPRED1 (sprouty related EVH1 domain containing 1; plus strand). Cytogenetic location: 15q14.
Variant type: single nucleotide variant.
Coding change: c.262A>G on transcript NM_152594.3 (MANE Select); coding-DNA position 262, A replaced by G.
Protein change: p.Thr88Ala; replaces threonine 88 with alanine.
Molecular consequence: missense variant.
Genome position (GRCh38, 1-based): chr15:38,322,295, A>G. VCF-style: chr15-38322295-A-G. GRCh37 (hg19) VCF-style: chr15-38614496-A-G.
Other names: short protein forms T88A.
Identifiers: ClinVar variation 4843971 (VCV004843971.1).